The following is an entry in ClinVar:

NM_000545.8(HNF1A):c.650C>G (p.Ala217Gly)

Gene: HNF1A (HNF1 homeobox A; plus strand). Cytogenetic location: 12q24.31.
Variant type: single nucleotide variant.
Coding change: c.650C>G on transcript NM_000545.8 (MANE Select); coding-DNA position 650, C replaced by G.
Protein change: p.Ala217Gly; replaces alanine 217 with glycine.
Molecular consequence: missense variant.
Genome position (GRCh38, 1-based): chr12:120,993,643, C>G. VCF-style: chr12-120993643-C-G. GRCh37 (hg19) VCF-style: chr12-121431446-C-G.
Other names: NM_001306179.2:c.650C>G; c.650C>G, p.Ala217Gly (NM_001306179.2); short protein forms A217G.
Identifiers: ClinVar variation 1699996 (VCV001699996.2), dbSNP rs2135839548, ClinGen allele CA386964769.
Genomic context (GRCh38, chr12:120,993,643, plus strand): 5'-AGAAGGGGCGGAGGAACCGTTTCAAGTGGGGCCCAGCATCCCAGCAGATCCTGTTCCAGG[C>G]CTATGAGAGGCAGAAGAACCCTAGCAAGGAGGAGCGAGAGACGCTAGTGGAGGAGTGCAA-3'
Protein context (NP_000536.6, residues 207-227): GPASQQILFQ[Ala217Gly]YERQKNPSKE

ClinVar aggregate classification (germline): Uncertain significance (3 of 4 stars; one submission).

Conditions:
Monogenic diabetes. Identifiers: Orphanet 183625, MedGen C3888631, MONDO:0015967.

Submission:

ClinGen Monogenic Diabetes Variant Curation Expert Panel
Classification: Uncertain significance for Monogenic diabetes. Last evaluated: 2025-11-26. Review status: reviewed by expert panel. Criteria: ClinGen Diabetes ACMG Specifications HNF1A V3.1.0. Collection method: curation. Allele origin: germline. Inheritance: Autosomal dominant inheritance.
Comment: The c.650C>G variant in the HNF1 homeobox A gene, HNF1A, causes an amino acid change of alanine to glycine at codon 217 (p.(Ala217Gly)) of NM_000545.8. This variant is predicted to be deleterious by computational evidence, with a REVEL score of 0.753, which is greater than the MDEP threshold of 0.70 (PP3). Additionally, this variant is located within the DNA binding domain (codons 107-174 and 201-280) of HNF1A, which is defined as critical for the protein’s function by the ClinGen MDEP (PM1_Supporting). This variant is absent from gnomAD v4.1 (PM2_Supporting), and was identified in an individual with diabetes; however, the calculated MODY probability is <50% (PMID: 18003757, internal lab contributor). In summary, c.650C>G meets the criteria to be classified as a variant of uncertain significance for monogenic diabetes. ACMG/AMP criteria applied, as specified by the ClinGen MDEP (specification version 3.1.0, approved 10/10/2025): PP3, PM1_Supporting, PM2_Supporting.

Literature cited by the submitters: PubMed 18003757.